The following is an entry in ClinVar:

NM_032228.6(FAR1):c.2T>C (p.Met1Thr)

Gene: FAR1 (fatty acyl-CoA reductase 1; plus strand). Cytogenetic location: 11p15.3.
Variant type: single nucleotide variant.
Coding change: c.2T>C on transcript NM_032228.6 (MANE Select); coding-DNA position 2, T replaced by C.
Protein change: p.Met1Thr; changes the start codon (methionine 1).
Molecular consequence: missense variant, initiator codon variant.
Genome position (GRCh38, 1-based): chr11:13,694,767, T>C. VCF-style: chr11-13694767-T-C. GRCh37 (hg19) VCF-style: chr11-13716314-T-C.
Other names: short protein forms M1T.
Identifiers: ClinVar variation 3647982 (VCV003647982.2).

ClinVar aggregate classification (germline): Uncertain significance (1 of 4 stars; one submission).

Submission:

Labcorp Genetics (formerly Invitae), Labcorp
Classification: Uncertain significance. Last evaluated: 2024-03-28. Review status: criteria provided, single submitter. Criteria: Invitae Variant Classification Sherloc (09022015). Collection method: clinical testing. Allele origin: germline.
Comment: This sequence change affects the initiator methionine of the FAR1 mRNA. The next in-frame methionine is located at codon 142. This variant is not present in population databases (gnomAD no frequency). This variant has not been reported in the literature in individuals affected with FAR1-related conditions. Experimental studies and prediction algorithms are not available or were not evaluated, and the functional significance of this variant is currently unknown. In summary, the available evidence is currently insufficient to determine the role of this variant in disease. Therefore, it has been classified as a Variant of Uncertain Significance.